The following is an entry in ClinVar:

ClinVar aggregate classification (germline): Uncertain significance (1 of 4 stars; one submission).

Allele frequency attached by ClinVar (database versions not stated): TOPMed below 0.00001; gnomAD 0.00002 and 0.00003; 1000 Genomes Project 0.00020; 1000 Genomes Project 30x 0.00031.

Submission:

Labcorp Genetics (formerly Invitae), Labcorp
Classification: Uncertain significance. Last evaluated: 2021-07-26. Review status: criteria provided, single submitter. Criteria: Invitae Variant Classification Sherloc (09022015). Collection method: clinical testing. Allele origin: germline.
Comment: In summary, the available evidence is currently insufficient to determine the role of this variant in disease. Therefore, it has been classified as a Variant of Uncertain Significance. Algorithms developed to predict the effect of missense changes on protein structure and function are either unavailable or do not agree on the potential impact of this missense change (SIFT: "Deleterious"; PolyPhen-2: "Benign"; Align-GVGD: "Class C0"). This variant has not been reported in the literature in individuals affected with TMEM126A-related conditions. This variant is present in population databases (rs192269199, ExAC 0.01%). This sequence change replaces arginine with histidine at codon 56 of the TMEM126A protein (p.Arg56His). The arginine residue is highly conserved and there is a small physicochemical difference between arginine and histidine.

NM_032273.4(TMEM126A):c.167G>A (p.Arg56His)

Gene: TMEM126A (transmembrane protein 126A; plus strand). Cytogenetic location: 11q14.1.
Variant type: single nucleotide variant.
Coding change: c.167G>A on transcript NM_032273.4 (MANE Select); coding-DNA position 167, G replaced by A.
Protein change: p.Arg56His; replaces arginine 56 with histidine.
Molecular consequence: missense variant. On other transcripts: 5 prime UTR variant (1).
Genome position (GRCh38, 1-based): chr11:85,654,143, G>A. VCF-style: chr11-85654143-G-A. GRCh37 (hg19) VCF-style: chr11-85365187-G-A.
Other names: c.-44G>A (NM_001244735.2); short protein forms R56H.
Identifiers: ClinVar variation 1490935 (VCV001490935.8), dbSNP rs192269199, ClinGen allele CA6212711.
Genomic context (GRCh38, chr11:85,654,143, plus strand): 5'-CGGTTTATGTTGGATTAAATGCTGCTCTTTGTGGCCTCATAGCAAACAGTCTTTTTCGAC[G>A]CATCTTGAATGTGACAAAGGCTCGCATAGCTGCTGGCTTACCAATGGCAGGGATACCTTT-3'
Protein context (NP_115649.1, residues 46-66): CGLIANSLFR[Arg56His]ILNVTKARIA